The following is an entry in ClinVar:

ClinVar aggregate classification (germline): Uncertain significance (1 of 4 stars; one submission).

Conditions:
Progressive familial heart block type IB (PFHB1B). Identifiers: Orphanet 871, MedGen C1970298, MONDO:0011474, OMIM 604559.

Allele frequency attached by ClinVar (database versions not stated): TOPMed below 0.00001.
gnomAD v4.1: 10 of 1,613,658 alleles (0.00062%); highest among the groups gnomAD compares: East Asian, 0.0022%; no homozygotes.

Submission:

Labcorp Genetics (formerly Invitae), Labcorp
Classification: Uncertain significance for Progressive familial heart block type IB. Last evaluated: 2025-11-20. Review status: criteria provided, single submitter. Criteria: Invitae Variant Classification Sherloc (09022015). Collection method: clinical testing. Allele origin: germline.
Comment: This sequence change falls in intron 2 of the TRPM4 gene. It does not directly change the encoded amino acid sequence of the TRPM4 protein. It affects a nucleotide within the consensus splice site. This variant is present in population databases (no rsID available, gnomAD 0.0009%). This variant has not been reported in the literature in individuals affected with TRPM4-related conditions. ClinVar contains an entry for this variant (Variation ID: 2144714). Variants that disrupt the consensus splice site are a relatively common cause of aberrant splicing (PMID: 17576681, 9536098). Algorithms developed to predict the effect of sequence changes on RNA splicing suggest that this variant may disrupt the consensus splice site. In summary, the available evidence is currently insufficient to determine the role of this variant in disease. Therefore, it has been classified as a Variant of Uncertain Significance.

Literature cited by the submitters: PubMed 17576681; PubMed 9536098.

NM_017636.4(TRPM4):c.92+5G>C

Gene: TRPM4 (transient receptor potential cation channel subfamily M member 4; plus strand). Cytogenetic location: 19q13.33.
Variant type: single nucleotide variant.
Coding change: c.92+5G>C on transcript NM_017636.4 (MANE Select); 5 bases into the intron after coding-DNA position 92, G replaced by C.
Molecular consequence: intron variant.
Genome position (GRCh38, 1-based): chr19:49,158,264, G>C. VCF-style: chr19-49158264-G-C. GRCh37 (hg19) VCF-style: chr19-49661521-G-C.
Other names: c.92+5G>C (NM_001195227.2, NM_001321281.2); c.-1281+5G>C (NM_001321282.2); c.-75+5G>C (NM_001321283.2); c.-238+5G>C (NM_001321285.2).
Identifiers: ClinVar variation 2144714 (VCV002144714.4), dbSNP rs979257398, ClinGen allele CA309425049.